The following is an entry in ClinVar:

NM_014629.4(ARHGEF10):c.365C>T (p.Pro122Leu)

Gene: ARHGEF10 (Rho guanine nucleotide exchange factor 10; plus strand). Cytogenetic location: 8p23.3.
Variant type: single nucleotide variant.
Coding change: c.365C>T on transcript NM_014629.4 (MANE Select); coding-DNA position 365, C replaced by T.
Protein change: p.Pro122Leu; replaces proline 122 with leucine.
Molecular consequence: missense variant.
Genome position (GRCh38, 1-based): chr8:1,860,068, C>T. VCF-style: chr8-1860068-C-T. GRCh37 (hg19) VCF-style: chr8-1808234-C-T.
Other names: c.365C>T, p.Pro122Leu (NM_001308152.2, NM_001308153.3); short protein forms P122L, P146L.
Identifiers: ClinVar variation 1718444 (VCV001718444.6), dbSNP rs2536877603, ClinGen allele CA369955801.
Genomic context (GRCh38, chr8:1,860,068, plus strand): 5'-AGGACCAGCCGCCCACCCCCGTGCCCAGCGCTGAGGAGGAGAATGTGGGTCTCCATGTGC[C>T]CTGCGGGTACTTGGTGCCTGTACCCTGCGGCTATGCGGTGCCCTCCAACCTGCCCCTCCT-3'
Protein context (NP_055444.2, residues 112-132): AEEENVGLHV[Pro122Leu]CGYLVPVPCG

ClinVar aggregate classification (germline): Uncertain significance (1 of 4 stars; one submission).

Submission:

Labcorp Genetics (formerly Invitae), Labcorp
Classification: Uncertain significance. Last evaluated: 2022-09-02. Review status: criteria provided, single submitter. Criteria: Invitae Variant Classification Sherloc (09022015). Collection method: clinical testing. Allele origin: germline.
Comment: This sequence change replaces proline, which is neutral and non-polar, with leucine, which is neutral and non-polar, at codon 122 of the ARHGEF10 protein (p.Pro122Leu). In summary, the available evidence is currently insufficient to determine the role of this variant in disease. Therefore, it has been classified as a Variant of Uncertain Significance. Algorithms developed to predict the effect of missense changes on protein structure and function are either unavailable or do not agree on the potential impact of this missense change (SIFT: "Tolerated"; PolyPhen-2: "Possibly Damaging"; Align-GVGD: "Class C0"). This variant has not been reported in the literature in individuals affected with ARHGEF10-related conditions. This variant is not present in population databases (gnomAD no frequency).